The following is an entry in ClinVar:

NM_005419.4(STAT2):c.1780A>G (p.Met594Val)

Gene: STAT2 (signal transducer and activator of transcription 2; minus strand). Cytogenetic location: 12q13.3.
Variant type: single nucleotide variant.
Coding change: c.1780A>G on transcript NM_005419.4 (MANE Select); coding-DNA position 1780, A replaced by G.
Protein change: p.Met594Val; replaces methionine 594 with valine.
Molecular consequence: missense variant.
Genome position (GRCh38, 1-based): chr12:56,346,900, T>C on the plus strand (A>G on the coding strand, the complement: STAT2 is on the minus strand). VCF-style: chr12-56346900-T-C. GRCh37 (hg19) VCF-style: chr12-56740684-T-C.
Other names: c.1747A>G, p.Met583Val (NM_001385110.1); c.1681A>G, p.Met561Val (NM_001385111.1); c.1780A>G, p.Met594Val (NM_001385113.1); c.1759A>G, p.Met587Val (NM_001385114.1); c.1738A>G, p.Met580Val (NM_001385115.1); c.1768A>G, p.Met590Val (NM_198332.2); short protein forms M580V, M583V, M587V, M594V, M561V, M590V.
Identifiers: ClinVar variation 2801266 (VCV002801266.3), dbSNP rs528264295, ClinGen allele CA6630400.

ClinVar aggregate classification (germline): Uncertain significance (1 of 4 stars; one submission).

Conditions:
Primary immunodeficiency with post-measles-mumps-rubella vaccine viral infection. Also called: Immunodeficiency 44. Identifiers: Orphanet 431166, MedGen C4225260, MONDO:0014715, OMIM 616636.

Allele frequency attached by ClinVar (database versions not stated): gnomAD exomes below 0.00001; ExAC 0.00001; gnomAD 0.00001; TOPMed 0.00001; 1000 Genomes Project 30x 0.00016; 1000 Genomes Project 0.00020.
gnomAD v4.1: 8 of 1,614,152 alleles (0.0005%); highest among the groups gnomAD compares: South Asian, 0.0011%; no homozygotes.

Submission:

Labcorp Genetics (formerly Invitae), Labcorp
Classification: Uncertain significance for Primary immunodeficiency with post-measles-mumps-rubella vaccine viral infection. Last evaluated: 2023-12-01. Review status: criteria provided, single submitter. Criteria: Invitae Variant Classification Sherloc (09022015). Collection method: clinical testing. Allele origin: germline.
Comment: This sequence change replaces methionine, which is neutral and non-polar, with valine, which is neutral and non-polar, at codon 594 of the STAT2 protein (p.Met594Val). This variant is present in population databases (rs528264295, gnomAD 0.003%). This variant has not been reported in the literature in individuals affected with STAT2-related conditions. Advanced modeling of protein sequence and biophysical properties (such as structural, functional, and spatial information, amino acid conservation, physicochemical variation, residue mobility, and thermodynamic stability) performed at Invitae indicates that this missense variant is not expected to disrupt STAT2 protein function with a negative predictive value of 80%. In summary, the available evidence is currently insufficient to determine the role of this variant in disease. Therefore, it has been classified as a Variant of Uncertain Significance.